The following is an entry in ClinVar:

NM_021942.6(TRAPPC11):c.1154A>C (p.Gln385Pro)

Gene: TRAPPC11 (trafficking protein particle complex subunit 11; plus strand). Cytogenetic location: 4q35.1.
Variant type: single nucleotide variant.
Coding change: c.1154A>C on transcript NM_021942.6 (MANE Select); coding-DNA position 1154, A replaced by C.
Protein change: p.Gln385Pro; replaces glutamine 385 with proline.
Molecular consequence: missense variant.
Genome position (GRCh38, 1-based): chr4:183,682,772, A>C. VCF-style: chr4-183682772-A-C. GRCh37 (hg19) VCF-style: chr4-184603925-A-C.
Other names: c.1154A>C, p.Gln385Pro (NM_199053.3); short protein forms Q385P.
Identifiers: ClinVar variation 2039812 (VCV002039812.4), dbSNP rs2476862237, ClinGen allele CA358864536.
Genomic context (GRCh38, chr4:183,682,772, plus strand): 5'-GTTTGTGTTTTAATTTACAGGCTTCTGTAATGTATCCCAATCCTGATCCCTTAGAAACAC[A>C]AACAGGCGTTCTTGACTTTTATGGACAAAGATCATGGCGACAAGGAATACTAAGTAAATA-3'
Protein context (NP_068761.4, residues 375-395): MYPNPDPLET[Gln385Pro]TGVLDFYGQR

ClinVar aggregate classification (germline): Uncertain significance (1 of 4 stars; one submission).

Conditions:
Autosomal recessive limb-girdle muscular dystrophy type R18 (LGMDR18). Also called: Autosomal recessive limb-girdle muscular dystrophy type 2S; Limb-girdle muscular dystrophy, type 2S; MUSCULAR DYSTROPHY, LIMB-GIRDLE, AUTOSOMAL RECESSIVE 18. Identifiers: Orphanet 369840, MedGen C4517996, MONDO:0014144, OMIM 615356.

Submission:

Labcorp Genetics (formerly Invitae), Labcorp
Classification: Uncertain significance for Autosomal recessive limb-girdle muscular dystrophy type R18. Last evaluated: 2022-03-08. Review status: criteria provided, single submitter. Criteria: Invitae Variant Classification Sherloc (09022015). Collection method: clinical testing. Allele origin: germline.
Comment: In summary, the available evidence is currently insufficient to determine the role of this variant in disease. Therefore, it has been classified as a Variant of Uncertain Significance. Algorithms developed to predict the effect of missense changes on protein structure and function (SIFT, PolyPhen-2, Align-GVGD) all suggest that this variant is likely to be tolerated. This variant has not been reported in the literature in individuals affected with TRAPPC11-related conditions. This variant is not present in population databases (gnomAD no frequency). This sequence change replaces glutamine, which is neutral and polar, with proline, which is neutral and non-polar, at codon 385 of the TRAPPC11 protein (p.Gln385Pro).